The following is an entry in ClinVar:

NM_002609.4(PDGFRB):c.2586+28G>A

Gene: PDGFRB (platelet derived growth factor receptor beta; minus strand). Cytogenetic location: 5q32.
Variant type: single nucleotide variant.
Coding change: c.2586+28G>A on transcript NM_002609.4 (MANE Select); 28 bases into the intron after coding-DNA position 2586, G replaced by A.
Molecular consequence: intron variant.
Genome position (GRCh38, 1-based): chr5:150,120,860, C>T on the plus strand (G>A on the coding strand, the complement: PDGFRB is on the minus strand). VCF-style: chr5-150120860-C-T. GRCh37 (hg19) VCF-style: chr5-149500423-C-T.
Other names: c.2394+28G>A (NM_001355016.2); c.2103+28G>A (NM_001355017.2).
Identifiers: ClinVar variation 1693085 (VCV001693085.2), dbSNP rs116476231, ClinGen allele CA3507588.
Genomic context (GRCh38, chr5:150,120,860, plus strand): 5'-GAGCTGCAGCCACACTGGTCAGGAGGGAATCTGTTCCTGCGGTCACAGGCACTGTGACTG[C>T]CCTGCAGGGGCCAGGGAAGGTACTCACGCTGCCTTTGGAGATGTAATTCGAGTCCCGCAT-3'

ClinVar aggregate classification (germline): Likely benign (1 of 4 stars; one submission).

Allele frequency attached by ClinVar (database versions not stated): gnomAD 0.00358 and 0.00377; TOPMed 0.00421; ESP Exome Variant Server 0.00446; 1000 Genomes Project 0.00519; 1000 Genomes Project 30x 0.00640.
gnomAD v4.1: 1,059 of 1,611,292 alleles (0.066%); highest among the groups gnomAD compares: African/African-American, 1.3%; 9 homozygotes.

Submission:

GeneDx
Classification: Likely benign. Last evaluated: 2021-12-22. Review status: criteria provided, single submitter. Criteria: GeneDx Variant Classification Process June 2021. Collection method: clinical testing. Allele origin: germline. Affected: yes.
Comment: See Variant Classification Assertion Criteria.